The following is an entry in ClinVar:

NM_000535.7(PMS2):c.2569_2570inv (p.Gly857Pro)

Gene: PMS2 (PMS1 homolog 2, mismatch repair system component; minus strand). Cytogenetic location: 7p22.1.
Variant type: Inversion.
Coding change: c.2569_2570inv on transcript NM_000535.7 (MANE Select).
Protein change: p.Gly857Pro; replaces glycine 857 with proline.
Molecular consequence: missense variant. On other transcripts: non-coding transcript variant (1).
Genome position: GRCh38 VCF-style: chr7-5973418-CC-GG. GRCh37 (hg19) VCF-style: chr7-6013049-CC-GG.
Other names: c.2164_2165inv, p.Gly722Pro (NM_001322003.2, NM_001322004.2, NM_001322005.2); c.2413_2414inv, p.Gly805Pro (NM_001322006.2); c.2251_2252inv, p.Gly751Pro (NM_001322007.2, NM_001322008.2); c.2197_2198inv, p.Gly733Pro (NM_001322009.2); c.2008_2009inv, p.Gly670Pro (NM_001322010.2); c.1636_1637inv, p.Gly546Pro (NM_001322011.2, NM_001322012.2); c.1996_1997inv, p.Gly666Pro (NM_001322013.2); c.2602_2603inv, p.Gly868Pro (NM_001322014.2); and 1 more; short protein forms G722P, G868P, G733P, G754P, G805P, G857P, G670P, G751P.
Identifiers: ClinVar variation 1366688 (VCV001366688.6), ClinGen allele CA2573141923.

ClinVar aggregate classification (germline): Uncertain significance (1 of 4 stars; one submission).

Conditions:
Hereditary nonpolyposis colorectal neoplasms. Identifiers: MedGen C0009405, MeSH D003123.

Submission:

Labcorp Genetics (formerly Invitae), Labcorp
Classification: Uncertain significance for Hereditary nonpolyposis colorectal neoplasms. Last evaluated: 2021-01-25. Review status: criteria provided, single submitter. Criteria: Invitae Variant Classification Sherloc (09022015). Collection method: clinical testing. Allele origin: germline.
Comment: In summary, the available evidence is currently insufficient to determine the role of this variant in disease. Therefore, it has been classified as a Variant of Uncertain Significance. Algorithms developed to predict the effect of missense changes on protein structure and function are either unavailable or do not agree on the potential impact of this missense change (SIFT: "Not Available"; PolyPhen-2: "Benign"; Align-GVGD: "Not Available"). This variant has not been reported in the literature in individuals with PMS2-related conditions. The frequency data for this variant in the population databases (ExAC) is considered unreliable due to the presence of homologous sequence, such as pseudogenes or paralogs, in the genome. This sequence change replaces glycine with proline at codon 857 of the PMS2 protein (p.Gly857Pro). The glycine residue is weakly conserved and there is a small physicochemical difference between glycine and proline.